The following is an entry in ClinVar:

ClinVar aggregate classification (germline): Uncertain significance. Review status: criteria provided, multiple submitters, no conflicts (2 of 4 stars). 2 submissions from 2 submitters: Uncertain significance (2). Last evaluated 2025-11-07.

Conditions:
Inborn genetic diseases. Identifiers: MedGen C0950123, MeSH D030342.

Allele frequency attached by ClinVar (database versions not stated): ExAC 0.00004; gnomAD exomes 0.00002; TOPMed below 0.00001; gnomAD 0.00001.

Submissions (2):

Ambry Genetics
Classification: Uncertain significance for Inborn genetic diseases. Last evaluated: 2025-11-07. Review status: criteria provided, single submitter. Criteria: Ambry Variant Classification Scheme 2023. Collection method: clinical testing. Allele origin: germline.

Labcorp Genetics (formerly Invitae), Labcorp
Classification: Uncertain significance. Last evaluated: 2023-08-04. Review status: criteria provided, single submitter. Criteria: Invitae Variant Classification Sherloc (09022015). Collection method: clinical testing. Allele origin: germline.
Comment: This sequence change replaces leucine, which is neutral and non-polar, with proline, which is neutral and non-polar, at codon 313 of the COL18A1 protein (p.Leu313Pro). In summary, the available evidence is currently insufficient to determine the role of this variant in disease. Therefore, it has been classified as a Variant of Uncertain Significance. Experimental studies and prediction algorithms are not available or were not evaluated, and the functional significance of this variant is currently unknown. ClinVar contains an entry for this variant (Variation ID: 1426940). This variant has not been reported in the literature in individuals affected with COL18A1-related conditions. This variant is present in population databases (rs778913399, gnomAD 0.005%).

NM_001379500.1(COL18A1):c.938T>C (p.Leu313Pro)

Gene: COL18A1 (collagen type XVIII alpha 1 chain; plus strand). Cytogenetic location: 21q22.3.
Variant type: single nucleotide variant.
Coding change: c.938T>C on transcript NM_001379500.1 (MANE Select); coding-DNA position 938, T replaced by C.
Protein change: p.Leu313Pro; replaces leucine 313 with proline.
Molecular consequence: missense variant.
Genome position (GRCh38, 1-based): chr21:45,477,420, T>C. VCF-style: chr21-45477420-T-C. GRCh37 (hg19) VCF-style: chr21-46897334-T-C.
Other names: NM_130445.2:c.938T>C; c.1478T>C, p.Leu493Pro (NM_030582.4); c.2183T>C, p.Leu728Pro (NM_130444.3); short protein forms L313P, L493P, L728P.
Identifiers: ClinVar variation 1426940 (VCV001426940.6), dbSNP rs778913399, ClinGen allele CA10066022.